The following is an entry in ClinVar:

ClinVar aggregate classification (germline): Uncertain significance (1 of 4 stars; one submission).

Conditions:
Inborn genetic diseases. Identifiers: MedGen C0950123, MeSH D030342.

Submission:

Ambry Genetics
Classification: Uncertain significance for Inborn genetic diseases. Last evaluated: 2022-07-07. Review status: criteria provided, single submitter. Criteria: Ambry Variant Classification Scheme 2023. Collection method: clinical testing. Allele origin: germline.
Comment: The p.K332E variant (also known as c.994A>G), located in coding exon 9 of the LRRK2 gene, results from an A to G substitution at nucleotide position 994. The lysine at codon 332 is replaced by glutamic acid, an amino acid with similar properties. This amino acid position is conserved. In addition, this alteration is predicted to be tolerated by in silico analysis. Since supporting evidence is limited at this time, the clinical significance of this alteration remains unclear.

NM_198578.4(LRRK2):c.994A>G (p.Lys332Glu)

Gene: LRRK2 (leucine rich repeat kinase 2; plus strand). Cytogenetic location: 12q12.
Variant type: single nucleotide variant.
Coding change: c.994A>G on transcript NM_198578.4 (MANE Select); coding-DNA position 994, A replaced by G.
Protein change: p.Lys332Glu; replaces lysine 332 with glutamic acid.
Molecular consequence: missense variant.
Genome position (GRCh38, 1-based): chr12:40,251,267, A>G. VCF-style: chr12-40251267-A-G. GRCh37 (hg19) VCF-style: chr12-40645069-A-G.
Other names: short protein forms K332E.
Identifiers: ClinVar variation 1768688 (VCV001768688.2), dbSNP rs1942257788, ClinGen allele CA384407763.